The following is an entry in ClinVar:

ClinVar aggregate classification (germline): Uncertain significance (1 of 4 stars; one submission).

gnomAD v4.1: 6 of 1,614,078 alleles (0.00037%); highest among the groups gnomAD compares: Middle Eastern, 0.017%; no homozygotes.

Submission:

Labcorp Genetics (formerly Invitae), Labcorp
Classification: Uncertain significance. Last evaluated: 2024-09-09. Review status: criteria provided, single submitter. Criteria: Invitae Variant Classification Sherloc (09022015). Collection method: clinical testing. Allele origin: germline.
Comment: This sequence change replaces isoleucine, which is neutral and non-polar, with valine, which is neutral and non-polar, at codon 167 of the ALPK1 protein (p.Ile167Val). This variant is not present in population databases (gnomAD no frequency). This variant has not been reported in the literature in individuals affected with ALPK1-related conditions. Invitae Evidence Modeling of protein sequence and biophysical properties (such as structural, functional, and spatial information, amino acid conservation, physicochemical variation, residue mobility, and thermodynamic stability) indicates that this missense variant is not expected to disrupt ALPK1 protein function with a negative predictive value of 80%. In summary, the available evidence is currently insufficient to determine the role of this variant in disease. Therefore, it has been classified as a Variant of Uncertain Significance.

NM_025144.4(ALPK1):c.499A>G (p.Ile167Val)

Gene: ALPK1 (alpha kinase 1; plus strand). Cytogenetic location: 4q25.
Variant type: single nucleotide variant.
Coding change: c.499A>G on transcript NM_025144.4 (MANE Select); coding-DNA position 499, A replaced by G.
Protein change: p.Ile167Val; replaces isoleucine 167 with valine.
Molecular consequence: missense variant.
Genome position (GRCh38, 1-based): chr4:112,423,967, A>G. VCF-style: chr4-112423967-A-G. GRCh37 (hg19) VCF-style: chr4-113345123-A-G.
Other names: c.499A>G, p.Ile167Val (NM_001102406.2); c.265A>G, p.Ile89Val (NM_001253884.2); short protein forms I167V, I89V.
Identifiers: ClinVar variation 3697861 (VCV003697861.2).